The following is an entry in ClinVar:

ClinVar aggregate classification (germline): Benign/Likely benign. Review status: criteria provided, multiple submitters, no conflicts (2 of 4 stars). 11 submissions from 11 submitters: Benign (6); Likely benign (3). 2 of the submissions do not count toward it. Last evaluated 2026-02-04.

Conditions:
Abetalipoproteinaemia (ABL). Also called: MTP DEFICIENCY; Abetalipoproteinemia; Abetalipoproteinemia neuropathy; Apolipoprotein B deficiency; Congenital betalipoprotein deficiency syndrome. Identifiers: Orphanet 14, MedGen C0000744, MONDO:0008692, OMIM 200100, HP:0008181.
Retinal disorder. Also called: Retinopathy; Retinopathies; Retinal Diseases; Retinal disorders. Identifiers: MedGen C0035309, MONDO:0005283, HP:0000488.

Allele frequency attached by ClinVar (database versions not stated): 1000 Genomes Project 0.00978; 1000 Genomes Project 30x 0.01015; gnomAD 0.02261 and 0.02355; gnomAD exomes 0.02382 and 0.02704; ExAC 0.02451; TOPMed 0.02536; ESP Exome Variant Server 0.02545.
gnomAD v4.1: 38,979 of 1,613,842 alleles (2.4%); highest among the groups gnomAD compares: Middle Eastern, 11%; 951 homozygotes.

Submissions (11):

Labcorp Genetics (formerly Invitae), Labcorp
Classification: Benign. Last evaluated: 2026-02-04. Review status: criteria provided, single submitter. Criteria: Invitae Variant Classification Sherloc (09022015). Collection method: clinical testing. Allele origin: germline.

Genetics Laboratory, Great Ormond Street Hospital NHS Foundation Trust, North Thames Genomic Laboratory Hub
Classification: Benign for Retinal disorders. Last evaluated: 2026-01-02. Review status: criteria provided, single submitter. Criteria: ACGS Best Practice Guidelines for Variant Classification in Rare Disease 2024 v1.2. Collection method: clinical testing. Allele origin: germline. Affected: yes.
Comment: BS1_strong, BS2_strong, BP4_supporting

Mayo Clinic Laboratories, Mayo Clinic
Classification: Benign. Last evaluated: 2025-06-03. Review status: criteria provided, single submitter. Criteria: ACMG Guidelines, 2015. Collection method: clinical testing. Allele origin: germline. Observed: 106 variant alleles.
Comment: BA1, BP4_moderate

Genome-Nilou Lab
Classification: Benign for Abetalipoproteinaemia. Last evaluated: 2021-06-10. Review status: criteria provided, single submitter. Criteria: ACMG Guidelines, 2015. Collection method: clinical testing. Allele origin: germline. Affected: no.

GeneDx
Classification: Likely benign. Last evaluated: 2020-10-22. Review status: criteria provided, single submitter. Criteria: GeneDx Variant Classification Process June 2021. Collection method: clinical testing. Allele origin: germline. Affected: yes.
Comment: This variant is associated with the following publications: (PMID: 33111339)

Women's Health and Genetics/Laboratory Corporation of America, LabCorp
Classification: Likely benign. Last evaluated: 2020-04-13. Review status: criteria provided, single submitter. Criteria: LabCorp Variant Classification Summary - May 2015. Collection method: clinical testing. Allele origin: germline.
Comment: Variant summary: MTTP c.1981G>A (p.Gly661Ser) results in a non-conservative amino acid change located in the Lipid transport protein, N-terminal domain (IPR001747) of the encoded protein sequence. Three of five in-silico tools predict a benign effect of the variant on protein function. The variant allele was found at a frequency of 0.027 in 250916 control chromosomes in the gnomAD database, including 252 homozygotes. The observed variant frequency is approximately 25-fold the estimated maximal expected allele frequency for a pathogenic variant in MTTP causing Abetalipoproteinaemia (Bassen-Kornzweig Syndrome) phenotype (0.0011), strongly suggesting that the variant is benign. c.1981G>A has been reported in the literature in individuals affected with Abetalipoproteinaemia (Bassen-Kornzweig Syndrome; e.g. Vongsuvanh_2007) and FHBL (homozygous familial hypobetalipoproteinaemia; e.g. Walsh_2016). These reports do not provide unequivocal conclusions about association of the variant with Abetalipoproteinaemia (Bassen-Kornzweig Syndrome). At least one publication reports experimental evidence evaluating an impact on protein function. These results showed no damaging effect of this variant (Walsh_2016). Two other clinical diagnostic laboratories have submitted clinical-significance assessments for this variant to ClinVar after 2014 without evidence for independent evaluation. One laboratory classified the variant as benign and one laboratory classified the variant as uncertain significance. Based on the evidence outlined above, the variant was classified as likely benign.

Illumina Laboratory Services, Illumina
Classification: Benign for Abetalipoproteinaemia. Last evaluated: 2018-01-12. Review status: criteria provided, single submitter. Criteria: ICSL Variant Classification Criteria 13 December 2019. Collection method: clinical testing. Allele origin: germline.
Comment: This variant was observed in the ICSL laboratory as part of a predisposition screen in an ostensibly healthy population. It had not been previously curated by ICSL or reported in the Human Gene Mutation Database (HGMD: prior to June 1st, 2018), and was therefore a candidate for classification through an automated scoring system. Utilizing variant allele frequency, disease prevalence and penetrance estimates, and inheritance mode, an automated score was calculated to assess if this variant is too frequent to cause the disease. Based on the score and internal cut-off values, a variant classified as benign is not then subjected to further curation. The score for this variant resulted in a classification of benign for this disease.

Genome Diagnostics Laboratory, University Medical Center Utrecht
Classification: Benign for Abetalipoproteinaemia. Last evaluated: 2015-03-18. Review status: criteria provided, single submitter. Criteria: ACGS Guidelines, 2013. Collection method: clinical testing. Allele origin: germline. Affected: yes. Study: VKGL Data-share Consensus.

Breakthrough Genomics
Classification: Likely benign. Review status: criteria provided, single submitter. Criteria: ACMG Guidelines, 2015. Collection method: not provided. Allele origin: germline. Inheritance: Autosomal recessive inheritance. Affected: yes.

Natera, Inc.
Classification: Benign for Abetalipoproteinemia. Last evaluated: 2019-10-28. Review status: no assertion criteria provided. Collection method: clinical testing. Allele origin: germline. Not counted in ClinVar's aggregate classification.

Clinical Genetics, Academic Medical Center
Classification: Benign. Review status: no assertion criteria provided. Collection method: clinical testing. Allele origin: germline. Affected: yes. Study: VKGL Data-share Consensus. Not counted in ClinVar's aggregate classification.

Literature cited by the submitters: PubMed 33111339 (cited by Mayo Clinic Laboratories, Mayo Clinic); PubMed 18027103 (cited by Women's Health and Genetics/Laboratory Corporation of America, LabCorp); PubMed 27170061 (cited by Women's Health and Genetics/Laboratory Corporation of America, LabCorp); PubMed 27487388 (cited by Women's Health and Genetics/Laboratory Corporation of America, LabCorp).

NM_001386140.1(MTTP):c.1981G>A (p.Gly661Ser)

Gene: MTTP (microsomal triglyceride transfer protein; plus strand). Cytogenetic location: 4q23.
Variant type: single nucleotide variant.
Coding change: c.1981G>A on transcript NM_001386140.1 (MANE Select); coding-DNA position 1981, G replaced by A.
Protein change: p.Gly661Ser; replaces glycine 661 with serine.
Molecular consequence: missense variant.
Genome position (GRCh38, 1-based): chr4:99,611,445, G>A. VCF-style: chr4-99611445-G-A. GRCh37 (hg19) VCF-style: chr4-100532602-G-A.
Other names: p.Gly661Ser; c.1981G>A, p.Gly661Ser (NM_000253.4); c.1732G>A, p.Gly578Ser (NM_001300785.2); short protein forms G661S, G578S.
Identifiers: ClinVar variation 347040 (VCV000347040.27), dbSNP rs113337987, ClinGen allele CA3022255.